The following is an entry in ClinVar:

ClinVar aggregate classification (germline): Conflicting classifications of pathogenicity. Review status: criteria provided, conflicting classifications (1 of 4 stars). 4 submissions from 4 submitters: Likely pathogenic (2); Uncertain significance (1). 1 of the submissions does not count toward it. Last evaluated 2026-09-10.

Conditions:
SOD1-related disorder. Also called: SOD1-related condition.
Amyotrophic lateral sclerosis type 1 (ALS1). Also called: AMYOTROPHIC LATERAL SCLEROSIS 1, FAMILIAL. Identifiers: Orphanet 803, MedGen C1862939, MONDO:0007103, OMIM 105400.

Allele frequency attached by ClinVar (database versions not stated): gnomAD 0.00001; TOPMed 0.00001.
gnomAD v4.1: 2 of 1,612,868 alleles (0.00012%); highest among the groups gnomAD compares: African/African-American, 0.0013%; no homozygotes.

Submissions (4):

Athena Diagnostics
Classification: Likely pathogenic. Last evaluated: 2026-09-10. Review status: criteria provided, single submitter. Criteria: Athena Diagnostics Criteria. Collection method: clinical testing. Allele origin: unknown.
Comment: The frequency of this variant in the general population is consistent with pathogenicity. This variant has been identified in at least one individual with autosomal dominant amyotrophic lateral sclerosis (ALS) (PMID: 23744890, 32672072). Assessment of experimental evidence suggests this variant results in abnormal protein function. (PMID: 36376198)

Labcorp Genetics (formerly Invitae), Labcorp
Classification: Uncertain significance for Amyotrophic lateral sclerosis type 1. Last evaluated: 2021-09-29. Review status: criteria provided, single submitter. Criteria: Invitae Variant Classification Sherloc (09022015). Collection method: clinical testing. Allele origin: germline.
Comment: This sequence change replaces phenylalanine with leucine at codon 65 of the SOD1 protein (p.Phe65Leu). The phenylalanine residue is highly conserved and there is a small physicochemical difference between phenylalanine and leucine. This variant is not present in population databases (ExAC no frequency). This variant has been observed in individual(s) with amyotrophic lateral sclerosis (PMID: 23744890). This variant is also known as Phe64Leu. Advanced modeling of protein sequence and biophysical properties (such as structural, functional, and spatial information, amino acid conservation, physicochemical variation, residue mobility, and thermodynamic stability) performed at Invitae indicates that this missense variant is expected to disrupt SOD1 protein function. In summary, the available evidence is currently insufficient to determine the role of this variant in disease. Therefore, it has been classified as a Variant of Uncertain Significance.

GeneDx
Classification: Likely pathogenic. Last evaluated: 2020-11-24. Review status: criteria provided, single submitter. Criteria: GeneDx Variant Classification Process June 2021. Collection method: clinical testing. Allele origin: germline. Affected: yes.
Comment: In silico analysis supports that this missense variant has a deleterious effect on protein structure/function; Not observed in large population cohorts (Lek et al., 2016); This variant is associated with the following publications: (PMID: 23744890, 32672072)

PreventionGenetics, part of Exact Sciences
Classification: Likely pathogenic for SOD1-related condition. Last evaluated: 2024-07-17. Review status: no assertion criteria provided. Collection method: clinical testing. Allele origin: germline. Not counted in ClinVar's aggregate classification.
Comment: The SOD1 c.193T>C variant is predicted to result in the amino acid substitution p.Phe65Leu. This variant has been reported to segregate with disease in two individuals of a family with amyotrophic lateral sclerosis (ALS, Klein et al. 2013. PubMed ID: 23744890). An immunofluorescence assay using HEK293T cells demonstrated that expression of this variant resulted in a significant propensity to form cytoplasmic aggregates compared to wildtype (Chen et al. 2022. PubMed ID: 36376198). This variant has not been reported in a large population database, indicating this variant is rare. Internally, this variant has been identified in multiple unrelated individuals undergoing testing for ALS. Additionally, a different missense change impacting the same amino acid (c.194T>C, p.Phe65Ser) has been reported in an individual with ALS (Table S1, Tsai et al. 2020. PubMed ID: 32462798). This variant is interpreted as likely pathogenic.

Literature cited by the submitters: PubMed 23744890 (cited by Athena Diagnostics and Labcorp Genetics (formerly Invitae), Labcorp); PubMed 32672072 (cited by Athena Diagnostics); PubMed 36376198 (cited by Athena Diagnostics); PubMed 39044379 (cited by Athena Diagnostics).

NM_000454.5(SOD1):c.193T>C (p.Phe65Leu)

Gene: SOD1 (superoxide dismutase 1; plus strand). Cytogenetic location: 21q22.11.
Variant type: single nucleotide variant.
Coding change: c.193T>C on transcript NM_000454.5 (MANE Select); coding-DNA position 193, T replaced by C.
Protein change: p.Phe65Leu; replaces phenylalanine 65 with leucine.
Molecular consequence: missense variant.
Genome position (GRCh38, 1-based): chr21:31,666,472, T>C. VCF-style: chr21-31666472-T-C. GRCh37 (hg19) VCF-style: chr21-33038785-T-C.
Other names: short protein forms F65L.
Identifiers: ClinVar variation 1200656 (VCV001200656.12), dbSNP rs1030039318, ClinGen allele CA319334141.